The following is an entry in ClinVar:

NM_005378.6(MYCN):c.1226C>T (p.Pro409Leu)

Gene: MYCN (MYCN proto-oncogene, bHLH transcription factor; plus strand). Cytogenetic location: 2p24.3.
Variant type: single nucleotide variant.
Coding change: c.1226C>T on transcript NM_005378.6 (MANE Select); coding-DNA position 1226, C replaced by T.
Protein change: p.Pro409Leu; replaces proline 409 with leucine.
Molecular consequence: missense variant. On other transcripts: 3 prime UTR variant (1).
Genome position (GRCh38, 1-based): chr2:15,945,928, C>T. VCF-style: chr2-15945928-C-T. GRCh37 (hg19) VCF-style: chr2-16086050-C-T.
Other names: c.1226C>T, p.Pro409Leu (NM_001293228.2); c.593C>T, p.Pro198Leu (NM_001293231.2); c.*1161C>T (NM_001293233.2); short protein forms P409L, P198L.
Identifiers: ClinVar variation 523483 (VCV000523483.5), dbSNP rs1553371013, ClinGen allele CA345932549.

ClinVar aggregate classification (germline): Uncertain significance. Review status: criteria provided, multiple submitters, no conflicts (2 of 4 stars). 2 submissions from 2 submitters: Uncertain significance (2). Last evaluated 2023-10-16.

Conditions:
Isolated agenesis of gallbladder. Also called: Gallbladder, agenesis of; Congenital absence of gallbladder; Absent gallbladder. Identifiers: Orphanet 440987, MedGen C0266251, MONDO:0007642, OMIM 137040, HP:0011467.
Bilateral cleft palate. Identifiers: MedGen C3553084, HP:0100337.
Double outlet right ventricle (DORV). Identifiers: Orphanet 3426, MedGen C0013069, MONDO:0018089, HP:0001719.
Ventricular septal defect. Identifiers: MedGen C0018818, MONDO:0002070, HP:0001629.

Submissions (2):

GeneDx
Classification: Uncertain significance. Last evaluated: 2023-10-16. Review status: criteria provided, single submitter. Criteria: GeneDx Variant Classification Process June 2021. Collection method: clinical testing. Allele origin: germline. Affected: yes.
Comment: Reported previously in a patient with Feingold syndrome, however information about parental testing was not provided (Marcelis et al., 2008); Not observed in large population cohorts (gnomAD); In silico analysis supports that this missense variant has a deleterious effect on protein structure/function; This variant is associated with the following publications: (PMID: 27535533, 18470948)

Centre for Mendelian Genomics, University Medical Centre Ljubljana
Classification: Uncertain significance for Isolated agenesis of gallbladder; Bilateral cleft palate; Double outlet right ventricle; Ventricular septal defect. Last evaluated: 2017-01-01. Review status: criteria provided, single submitter. Criteria: ACMG Guidelines, 2015. Collection method: clinical testing. Allele origin: unknown. Affected: yes.